The following is an entry in ClinVar:

ClinVar aggregate classification (germline): Benign (1 of 4 stars; one submission).

Allele frequency attached by ClinVar (database versions not stated): 1000 Genomes Project 30x 0.49578; 1000 Genomes Project 0.50359; TOPMed 0.52884; gnomAD 0.54547 and 0.54599.
gnomAD v4.1: 453,141 of 780,660 alleles (58%); highest among the groups gnomAD compares: Non-Finnish European, 61%; 134,447 homozygotes.

Submission:

GeneDx
Classification: Benign. Last evaluated: 2018-06-14. Review status: criteria provided, single submitter. Criteria: GeneDx Variant Classification (06012015). Collection method: clinical testing. Allele origin: germline. Affected: yes.
Comment: This variant is considered likely benign or benign based on one or more of the following criteria: it is a conservative change, it occurs at a poorly conserved position in the protein, it is predicted to be benign by multiple in silico algorithms, and/or has population frequency not consistent with disease.

NM_007347.5(AP4E1):c.3095+117G>A

Gene: AP4E1 (adaptor related protein complex 4 subunit epsilon 1; plus strand). Cytogenetic location: 15q21.2.
Variant type: single nucleotide variant.
Coding change: c.3095+117G>A on transcript NM_007347.5 (MANE Select); 117 bases into the intron after coding-DNA position 3095, G replaced by A.
Molecular consequence: intron variant.
Genome position (GRCh38, 1-based): chr15:50,999,379, G>A. VCF-style: chr15-50999379-G-A. GRCh37 (hg19) VCF-style: chr15-51291576-G-A.
Other names: c.2870+117G>A (NM_001252127.2).
Identifiers: ClinVar variation 678004 (VCV000678004.1), dbSNP rs12904382, ClinGen allele CA14167290.